The following is an entry in ClinVar:

ClinVar aggregate classification (germline): Likely benign. Review status: criteria provided, multiple submitters, no conflicts (2 of 4 stars). 2 submissions from 2 submitters: Likely benign (2). Last evaluated 2025-04-27.

Conditions:
Fanconi anemia (FA). Also called: Fanconi's anemia. Identifiers: Orphanet 84, MedGen C0015625, MeSH D005199, MONDO:0019391.

Allele frequency attached by ClinVar (database versions not stated): ExAC 0.00002; gnomAD 0.00003 and 0.00004; gnomAD exomes 0.00003; TOPMed 0.00005.
gnomAD v4.1: 52 of 1,613,450 alleles (0.0032%); highest among the groups gnomAD compares: Non-Finnish European, 0.0042%; no homozygotes.

Submissions (2):

Labcorp Genetics (formerly Invitae), Labcorp
Classification: Likely benign for Fanconi anemia. Last evaluated: 2025-04-27. Review status: criteria provided, single submitter. Criteria: Invitae Variant Classification Sherloc (09022015). Collection method: clinical testing. Allele origin: germline.

GeneDx
Classification: Likely benign. Last evaluated: 2016-08-10. Review status: criteria provided, single submitter. Criteria: GeneDx Variant Classification (06012015). Collection method: clinical testing. Allele origin: germline. Affected: yes.
Comment: This variant is considered likely benign or benign based on one or more of the following criteria: it is a conservative change, it occurs at a poorly conserved position in the protein, it is predicted to be benign by multiple in silico algorithms, and/or has population frequency not consistent with disease.

NM_000136.3(FANCC):c.-18C>G

Gene: FANCC (FA complementation group C; minus strand). Cytogenetic location: 9q22.32.
Variant type: single nucleotide variant.
Coding change: c.-18C>G on transcript NM_000136.3 (MANE Select); 18 bases upstream of the start codon, C replaced by G.
Molecular consequence: 5 prime UTR variant.
Genome position (GRCh38, 1-based): chr9:95,249,309, G>C on the plus strand (C>G on the coding strand, the complement: FANCC is on the minus strand). VCF-style: chr9-95249309-G-C. GRCh37 (hg19) VCF-style: chr9-98011591-G-C.
Other names: c.-18C>G (NM_001243743.2, NM_001243744.2).
Identifiers: ClinVar variation 379168 (VCV000379168.9), dbSNP rs762660689, ClinGen allele CA5137855.
Genomic context (GRCh38, chr9:95,249,309, plus strand): 5'-AAAACTGATAATCACAAGAAAGATCTACTGAATCTTGAGCCATCTTGGAAAAAGCGAAAA[G>C]GTGATGTCCCTTCACAGCAGCCTGTCCAGCACTGAAGGAAATGGTCGGCACACATTAAAT-3'